The following is an entry in ClinVar:

ClinVar aggregate classification (germline): Uncertain significance. Review status: criteria provided, multiple submitters, no conflicts (2 of 4 stars). 2 submissions from 2 submitters: Uncertain significance (2). Last evaluated 2025-08-20.

Conditions:
Arrhythmogenic right ventricular dysplasia 13. Also called: ARRHYTHMOGENIC RIGHT VENTRICULAR CARDIOMYOPATHY 13; Arrhythmogenic right ventricular dysplasia, familial, 13. Identifiers: MedGen C3810138, MONDO:0000908, OMIM 615616.

Allele frequency attached by ClinVar (database versions not stated): gnomAD exomes below 0.00001 and 0.00002; gnomAD 0.00001; TOPMed 0.00001; ExAC 0.00002.
gnomAD v4.1: 3 of 1,613,888 alleles (0.00019%); highest among the groups gnomAD compares: Admixed American, 0.0017%; no homozygotes.

Submissions (2):

Ambry Genetics
Classification: Uncertain significance. Last evaluated: 2025-08-20. Review status: criteria provided, single submitter. Criteria: Ambry Variant Classification Scheme 2023. Collection method: clinical testing. Allele origin: germline.
Comment: The p.A124T variant (also known as c.370G>A), located in coding exon 3 of the CTNNA3 gene, results from a G to A substitution at nucleotide position 370. The alanine at codon 124 is replaced by threonine, an amino acid with similar properties. This amino acid position is conserved. In addition, this alteration is predicted to be tolerated by in silico analysis. Since supporting evidence is limited at this time, the clinical significance of this alteration remains unclear.

Labcorp Genetics (formerly Invitae), Labcorp
Classification: Uncertain significance for Arrhythmogenic right ventricular dysplasia 13. Last evaluated: 2020-10-06. Review status: criteria provided, single submitter. Criteria: Invitae Variant Classification Sherloc (09022015). Collection method: clinical testing. Allele origin: germline.
Comment: This sequence change replaces alanine with threonine at codon 124 of the CTNNA3 protein (p.Ala124Thr). The alanine residue is moderately conserved and there is a small physicochemical difference between alanine and threonine. In summary, the available evidence is currently insufficient to determine the role of this variant in disease. Therefore, it has been classified as a Variant of Uncertain Significance. Algorithms developed to predict the effect of missense changes on protein structure and function (SIFT, PolyPhen-2, Align-GVGD) all suggest that this variant is likely to be tolerated, but these predictions have not been confirmed by published functional studies and their clinical significance is uncertain. This variant has not been reported in the literature in individuals with CTNNA3-related conditions. This variant is present in population databases (rs779719958, ExAC 0.009%).

NM_013266.4(CTNNA3):c.370G>A (p.Ala124Thr)

Gene: CTNNA3 (catenin alpha 3; minus strand). Cytogenetic location: 10q21.3.
Variant type: single nucleotide variant.
Coding change: c.370G>A on transcript NM_013266.4 (MANE Select); coding-DNA position 370, G replaced by A.
Protein change: p.Ala124Thr; replaces alanine 124 with threonine.
Molecular consequence: missense variant.
Genome position (GRCh38, 1-based): chr10:67,539,592, C>T on the plus strand (G>A on the coding strand, the complement: CTNNA3 is on the minus strand). VCF-style: chr10-67539592-C-T. GRCh37 (hg19) VCF-style: chr10-69299350-C-T.
Other names: c.370G>A, p.Ala124Thr (NM_001127384.3); c.406G>A, p.Ala136Thr (NM_001291133.2); short protein forms A124T, A136T.
Identifiers: ClinVar variation 999672 (VCV000999672.11), dbSNP rs779719958, ClinGen allele CA5520642.